The following is an entry in ClinVar:

ClinVar aggregate classification (germline): Uncertain significance. Review status: criteria provided, multiple submitters, no conflicts (2 of 4 stars). 3 submissions from 3 submitters: Uncertain significance (3). Last evaluated 2025-08-29.

Conditions:
Inborn genetic diseases. Identifiers: MedGen C0950123, MeSH D030342.

Allele frequency attached by ClinVar (database versions not stated): gnomAD 0.00005; TOPMed 0.00005; ExAC 0.00007; ESP Exome Variant Server 0.00016.
gnomAD v4.1: 144 of 1,609,376 alleles (0.0089%); highest among the groups gnomAD compares: Non-Finnish European, 0.011%; no homozygotes.

Submissions (3):

Ambry Genetics
Classification: Uncertain significance for Inborn genetic diseases. Last evaluated: 2025-08-29. Review status: criteria provided, single submitter. Criteria: Ambry Variant Classification Scheme 2023. Collection method: clinical testing. Allele origin: germline.

Blueprint Genetics
Classification: Uncertain significance. Last evaluated: 2024-10-01. Review status: criteria provided, single submitter. Criteria: ACMG Guidelines, 2015. Collection method: clinical testing. Allele origin: germline.

CeGaT Center for Human Genetics Tuebingen
Classification: Uncertain significance. Last evaluated: 2024-07-01. Review status: criteria provided, single submitter. Criteria: CeGaT Center For Human Genetics Tuebingen Variant Classification Criteria Version 2. Collection method: clinical testing. Allele origin: germline. Affected: yes. Observed: 1 variant allele.
Comment: RP1L1: PM2, BP4

NM_178857.6(RP1L1):c.3289C>A (p.Pro1097Thr)

Gene: RP1L1 (RP1 like 1). Cytogenetic location: 8p23.1.
Variant type: single nucleotide variant.
Coding change: c.3289C>A on transcript NM_178857.6 (MANE Select); coding-DNA position 3289, C replaced by A.
Protein change: p.Pro1097Thr; replaces proline 1097 with threonine.
Molecular consequence: missense variant.
Genome position (GRCh38, 1-based): chr8:10,610,809, G>T on the plus strand (C>A on the coding strand, the complement: RP1L1 is on the minus strand). VCF-style: chr8-10610809-G-T. GRCh37 (hg19) VCF-style: chr8-10468319-G-T.
Other names: short protein forms P1097T.
Identifiers: ClinVar variation 2350883 (VCV002350883.21), dbSNP rs372550700, ClinGen allele CA4624532.